The following is an entry in ClinVar:

NM_004055.5(CAPN5):c.955G>A (p.Asp319Asn)

Gene: CAPN5 (calpain 5; plus strand). Cytogenetic location: 11q13.5.
Variant type: single nucleotide variant.
Coding change: c.955G>A on transcript NM_004055.5 (MANE Select); coding-DNA position 955, G replaced by A.
Protein change: p.Asp319Asn; replaces aspartic acid 319 with asparagine.
Molecular consequence: missense variant.
Genome position (GRCh38, 1-based): chr11:77,116,287, G>A. VCF-style: chr11-77116287-G-A. GRCh37 (hg19) VCF-style: chr11-76827333-G-A.
Other names: short protein forms D319N.
Identifiers: ClinVar variation 1957682 (VCV001957682.6), dbSNP rs1166873648, ClinGen allele CA381939946.

ClinVar aggregate classification (germline): Uncertain significance. Review status: criteria provided, multiple submitters, no conflicts (2 of 4 stars). 2 submissions from 2 submitters: Uncertain significance (2). Last evaluated 2022-11-11.

Allele frequency attached by ClinVar (database versions not stated): gnomAD exomes below 0.00001; gnomAD 0.00001; TOPMed 0.00001.
gnomAD v4.1: 2 of 1,613,414 alleles (0.00012%); highest among the groups gnomAD compares: Non-Finnish European, 0.00017%; no homozygotes.

Submissions (2):

Blueprint Genetics
Classification: Uncertain significance. Last evaluated: 2022-11-11. Review status: criteria provided, single submitter. Criteria: ACMG Guidelines, 2015. Collection method: clinical testing. Allele origin: germline.

Labcorp Genetics (formerly Invitae), Labcorp
Classification: Uncertain significance. Last evaluated: 2022-03-20. Review status: criteria provided, single submitter. Criteria: Invitae Variant Classification Sherloc (09022015). Collection method: clinical testing. Allele origin: germline.
Comment: In summary, the available evidence is currently insufficient to determine the role of this variant in disease. Therefore, it has been classified as a Variant of Uncertain Significance. Algorithms developed to predict the effect of missense changes on protein structure and function are either unavailable or do not agree on the potential impact of this missense change (SIFT: "Tolerated"; PolyPhen-2: "Probably Damaging"; Align-GVGD: "Class C0"). This variant has not been reported in the literature in individuals affected with CAPN5-related conditions. This variant is not present in population databases (gnomAD no frequency). This sequence change replaces aspartic acid, which is acidic and polar, with asparagine, which is neutral and polar, at codon 319 of the CAPN5 protein (p.Asp319Asn).